The following is an entry in ClinVar:

ClinVar aggregate classification (germline): Pathogenic (1 of 4 stars; one submission).

Conditions:
MHC class II deficiency. Also called: Bare lymphocyte syndrome 2; BLS, TYPE II. Identifiers: Orphanet 572, MedGen C5447452, MONDO:0008855.

Allele frequency attached by ClinVar (database versions not stated): gnomAD 0.00004; gnomAD exomes below 0.00001; ExAC 0.00002; TOPMed 0.00003.

Submission:

Labcorp Genetics (formerly Invitae), Labcorp
Classification: Pathogenic for MHC class II deficiency. Last evaluated: 2024-03-26. Review status: criteria provided, single submitter. Criteria: Invitae Variant Classification Sherloc (09022015). Collection method: clinical testing. Allele origin: germline.
Comment: This sequence change creates a premature translational stop signal (p.Arg470*) in the RFX5 gene. While this is not anticipated to result in nonsense mediated decay, it is expected to disrupt the last 147 amino acid(s) of the RFX5 protein. This variant is present in population databases (rs79106593, gnomAD 0.03%). This variant has not been reported in the literature in individuals affected with RFX5-related conditions. This variant disrupts a region of the RFX5 protein in which other variant(s) (p.Ser571Glnfs*22) have been determined to be pathogenic (Invitae). This suggests that this is a clinically significant region of the protein, and that variants that disrupt it are likely to be disease-causing. For these reasons, this variant has been classified as Pathogenic.

NM_001025603.2(RFX5):c.1408C>T (p.Arg470Ter)

Gene: RFX5 (regulatory factor X5; minus strand). Cytogenetic location: 1q21.3.
Variant type: single nucleotide variant.
Coding change: c.1408C>T on transcript NM_001025603.2 (MANE Select); coding-DNA position 1408, C replaced by T.
Protein change: p.Arg470Ter; replaces arginine 470 with a stop codon.
Molecular consequence: nonsense.
Genome position (GRCh38, 1-based): chr1:151,342,629, G>A on the plus strand (C>T on the coding strand, the complement: RFX5 is on the minus strand). VCF-style: chr1-151342629-G-A. GRCh37 (hg19) VCF-style: chr1-151315105-G-A.
Other names: c.1408C>T, p.Arg470Ter (NM_000449.4, NM_001379412.1, NM_001379413.1 and 5 more transcripts); c.1288C>T, p.Arg430Ter (NM_001379419.1, NM_001379420.1); short protein forms R430*, R470*.
Identifiers: ClinVar variation 2981568 (VCV002981568.3), dbSNP rs79106593, ClinGen allele CA1089603.